The following is an entry in ClinVar:

ClinVar aggregate classification (germline): Benign/Likely benign. Review status: criteria provided, multiple submitters, no conflicts (2 of 4 stars). 3 submissions from 3 submitters: Benign (1); Likely benign (2). Last evaluated 2026-04-20.

Conditions:
DICER1-related tumor predisposition. Also called: DICER1-related pleuropulmonary blastoma cancer predisposition syndrome; DICER1 syndrome. Identifiers: Orphanet 284343, MedGen C3839822, MONDO:0100216.
Hereditary cancer-predisposing syndrome. Also called: Hereditary Cancer Syndrome; Hereditary neoplastic syndrome; Neoplastic Syndromes, Hereditary; Tumor predisposition. Identifiers: Orphanet 140162, MedGen C0027672, MeSH D009386, MONDO:0015356.

Allele frequency attached by ClinVar (database versions not stated): gnomAD exomes below 0.00001.
gnomAD v4.1: 1 of 1,614,168 alleles (0.000062%); highest among the groups gnomAD compares: Middle Eastern, 0.016%; no homozygotes.

Submissions (3):

Myriad Genetics, Inc.
Classification: Benign for DICER1-related tumor predisposition. Last evaluated: 2026-04-20. Review status: criteria provided, single submitter. Criteria: Myriad Autosomal Dominant, Autosomal Recessive and X-Linked Classification Criteria (2023). Collection method: clinical testing. Allele origin: unknown.
Comment: This variant is considered benign. This variant is a silent/synonymous amino acid change and it is not expected to impact splicing.

Labcorp Genetics (formerly Invitae), Labcorp
Classification: Likely benign for DICER1-related tumor predisposition. Last evaluated: 2025-10-23. Review status: criteria provided, single submitter. Criteria: Invitae Variant Classification Sherloc (09022015). Collection method: clinical testing. Allele origin: germline.

Ambry Genetics
Classification: Likely benign for Hereditary cancer-predisposing syndrome. Last evaluated: 2023-06-01. Review status: criteria provided, single submitter. Criteria: Ambry Variant Classification Scheme 2023. Collection method: clinical testing. Allele origin: germline.

NM_177438.3(DICER1):c.5073C>G (p.Ser1691=)

Gene: DICER1 (dicer 1, ribonuclease III; minus strand). Cytogenetic location: 14q32.13.
Variant type: single nucleotide variant.
Coding change: c.5073C>G on transcript NM_177438.3 (MANE Select); coding-DNA position 5073, C replaced by G.
Protein change: p.Ser1691=; no amino-acid change (serine 1691 retained).
Molecular consequence: synonymous variant.
Genome position (GRCh38, 1-based): chr14:95,095,847, G>C on the plus strand (C>G on the coding strand, the complement: DICER1 is on the minus strand). VCF-style: chr14-95095847-G-C. GRCh37 (hg19) VCF-style: chr14-95562184-G-C.
Other names: c.5073C>G, p.Ser1691= (NM_001195573.1, NM_001271282.3, NM_001291628.2 and 1 more transcripts).
Identifiers: ClinVar variation 720528 (VCV000720528.14), dbSNP rs1464876003, ClinGen allele CA487625668.